The following is an entry in ClinVar:

NM_020717.5(SHROOM4):c.1970G>A (p.Ser657Asn)

Gene: SHROOM4 (shroom family member 4; minus strand). Cytogenetic location: Xp11.22.
Variant type: single nucleotide variant.
Coding change: c.1970G>A on transcript NM_020717.5 (MANE Select); coding-DNA position 1970, G replaced by A.
Protein change: p.Ser657Asn; replaces serine 657 with asparagine.
Molecular consequence: missense variant. On other transcripts: non-coding transcript variant (4).
Genome position (GRCh38, 1-based): chrX:50,634,103, C>T on the plus strand (G>A on the coding strand, the complement: SHROOM4 is on the minus strand). VCF-style: chrX-50634103-C-T. GRCh37 (hg19) VCF-style: chrX-50377103-C-T.
Other names: short protein forms S657N.
Identifiers: ClinVar variation 2628710 (VCV002628710.3), dbSNP rs201191407, ClinGen allele CA10416185.

ClinVar aggregate classification (germline): Uncertain significance. Review status: criteria provided, single submitter (1 of 4 stars). 2 submissions from 2 submitters: Uncertain significance (1). 1 of the submissions does not count toward it. Last evaluated 2025-04-29.

Conditions:
SHROOM4-related disorder. Also called: SHROOM4-related condition.

Allele frequency attached by ClinVar (database versions not stated): gnomAD 0.00001; gnomAD exomes 0.00001; TOPMed 0.00001; ExAC 0.00002.
gnomAD v4.1: 17 of 1,209,894 alleles (0.0014%); highest among the groups gnomAD compares: African/African-American, 0.016%; no homozygotes.

Submissions (2):

Ambry Genetics
Classification: Uncertain significance. Last evaluated: 2025-04-29. Review status: criteria provided, single submitter. Criteria: Ambry Variant Classification Scheme 2023. Collection method: clinical testing. Allele origin: germline.

PreventionGenetics, part of Exact Sciences
Classification: Uncertain significance for SHROOM4-related condition. Last evaluated: 2024-04-05. Review status: no assertion criteria provided. Collection method: clinical testing. Allele origin: germline. Not counted in ClinVar's aggregate classification.
Comment: The SHROOM4 c.1970G>A variant is predicted to result in the amino acid substitution p.Ser657Asn. To our knowledge, this variant has not been reported in the literature. This variant is reported in 0.0076% of alleles in individuals of African descent in gnomAD. At this time, the clinical significance of this variant is uncertain due to the absence of conclusive functional and genetic evidence.